The following is an entry in ClinVar:

NM_000692.5(ALDH1B1):c.1352G>A (p.Arg451Gln)

Gene: ALDH1B1 (aldehyde dehydrogenase 1 family member B1; plus strand). Cytogenetic location: 9p13.1.
Variant type: single nucleotide variant.
Coding change: c.1352G>A on transcript NM_000692.5 (MANE Select); coding-DNA position 1352, G replaced by A.
Protein change: p.Arg451Gln; replaces arginine 451 with glutamine.
Molecular consequence: missense variant.
Genome position (GRCh38, 1-based): chr9:38,397,100, G>A. VCF-style: chr9-38397100-G-A. GRCh37 (hg19) VCF-style: chr9-38397097-G-A.
Other names: short protein forms R451Q.
Identifiers: ClinVar variation 379495 (VCV000379495.3), dbSNP rs770551895, ClinGen allele CA5064112.

ClinVar aggregate classification (germline): Likely benign. Review status: criteria provided, multiple submitters, no conflicts (2 of 4 stars). 2 submissions from 2 submitters: Likely benign (2). Last evaluated 2021-09-30.

Allele frequency attached by ClinVar (database versions not stated): gnomAD 0.00002 and 0.00003; gnomAD exomes 0.00003 and 0.00006; TOPMed 0.00005; ExAC 0.00006.
gnomAD v4.1: 59 of 1,614,032 alleles (0.0037%); highest among the groups gnomAD compares: Admixed American, 0.02%; no homozygotes.

Submissions (2):

Ambry Genetics
Classification: Likely benign. Last evaluated: 2021-09-30. Review status: criteria provided, single submitter. Criteria: Ambry Variant Classification Scheme 2023. Collection method: clinical testing. Allele origin: germline.

GeneDx
Classification: Likely benign. Last evaluated: 2015-04-20. Review status: criteria provided, single submitter. Criteria: GeneDx Variant Classification (06012015). Collection method: clinical testing. Allele origin: germline. Affected: yes.
Comment: This variant is considered likely benign or benign based on one or more of the following criteria: it is a conservative change, it occurs at a poorly conserved position in the protein, it is predicted to be benign by multiple in silico algorithms, and/or has population frequency not consistent with disease.